The following is an entry in ClinVar:

ClinVar aggregate classification (germline): Uncertain significance (1 of 4 stars; one submission).

Conditions:
Hereditary cancer-predisposing syndrome. Also called: Hereditary Cancer Syndrome; Hereditary neoplastic syndrome; Neoplastic Syndromes, Hereditary; Tumor predisposition. Identifiers: Orphanet 140162, MedGen C0027672, MeSH D009386, MONDO:0015356.

Submission:

Ambry Genetics
Classification: Uncertain significance for Hereditary cancer-predisposing syndrome. Last evaluated: 2020-09-09. Review status: criteria provided, single submitter. Criteria: Ambry Variant Classification Scheme 2023. Collection method: clinical testing. Allele origin: germline.
Comment: The p.G345V variant (also known as c.1034G>T), located in coding exon 3 of the AXIN2 gene, results from a G to T substitution at nucleotide position 1034. The glycine at codon 345 is replaced by valine, an amino acid with dissimilar properties. This amino acid position is highly conserved in available vertebrate species. In addition, the in silico prediction for this alteration is inconclusive. Since supporting evidence is limited at this time, the clinical significance of this alteration remains unclear.

NM_004655.4(AXIN2):c.1034G>T (p.Gly345Val)

Gene: AXIN2 (axin 2; minus strand). Cytogenetic location: 17q24.1.
Variant type: single nucleotide variant.
Coding change: c.1034G>T on transcript NM_004655.4 (MANE Select); coding-DNA position 1034, G replaced by T.
Protein change: p.Gly345Val; replaces glycine 345 with valine.
Molecular consequence: missense variant.
Genome position (GRCh38, 1-based): chr17:65,541,480, C>A on the plus strand (G>T on the coding strand, the complement: AXIN2 is on the minus strand). VCF-style: chr17-65541480-C-A. GRCh37 (hg19) VCF-style: chr17-63537598-C-A.
Other names: c.1034G>T, p.Gly345Val (NM_001363813.1); short protein forms G345V.
Identifiers: ClinVar variation 1772134 (VCV001772134.2), dbSNP rs2544196320, ClinGen allele CA400679155.